The following is an entry in ClinVar:

ClinVar aggregate classification (germline): Conflicting classifications of pathogenicity. Review status: criteria provided, conflicting classifications (1 of 4 stars). 3 submissions from 3 submitters: Uncertain significance (2); Likely benign (1). Last evaluated 2024-10-02.

Conditions:
Hereditary cancer-predisposing syndrome. Also called: Hereditary Cancer Syndrome; Tumor predisposition; Neoplastic Syndromes, Hereditary; Hereditary neoplastic syndrome. Identifiers: Orphanet 140162, MedGen C0027672, MeSH D009386, MONDO:0015356.
Hereditary breast ovarian cancer syndrome. Also called: Hereditary breast and ovarian cancer syndrome (HBOC); Hereditary breast and/or ovarian cancer syndrome; BRCA1- and BRCA2-Associated Hereditary Breast and Ovarian Cancer; Hereditary breast and ovarian cancer syndrome; Hereditary breast and ovarian cancer; Breast and ovarian cancer. Identifiers: Orphanet 145, MedGen C0677776, MeSH D061325, MONDO:0003582. Disease mechanism: loss of function.

Submissions (3):

Labcorp Genetics (formerly Invitae), Labcorp
Classification: Uncertain significance for Hereditary breast ovarian cancer syndrome. Last evaluated: 2024-10-02. Review status: criteria provided, single submitter. Criteria: Invitae Variant Classification Sherloc (09022015). Collection method: clinical testing. Allele origin: germline.
Comment: This sequence change replaces proline, which is neutral and non-polar, with leucine, which is neutral and non-polar, at codon 570 of the BRCA1 protein (p.Pro570Leu). This variant is not present in population databases (gnomAD no frequency). This variant has not been reported in the literature in individuals affected with BRCA1-related conditions. ClinVar contains an entry for this variant (Variation ID: 1014997). Invitae Evidence Modeling of protein sequence and biophysical properties (such as structural, functional, and spatial information, amino acid conservation, physicochemical variation, residue mobility, and thermodynamic stability) indicates that this missense variant is not expected to disrupt BRCA1 protein function with a negative predictive value of 95%. In summary, the available evidence is currently insufficient to determine the role of this variant in disease. Therefore, it has been classified as a Variant of Uncertain Significance.

Ambry Genetics
Classification: Uncertain significance for Hereditary cancer-predisposing syndrome. Last evaluated: 2023-11-15. Review status: criteria provided, single submitter. Criteria: Ambry Variant Classification Scheme 2023. Collection method: clinical testing. Allele origin: germline.
Comment: The p.P570L variant (also known as c.1709C>T), located in coding exon 9 of the BRCA1 gene, results from a C to T substitution at nucleotide position 1709. The proline at codon 570 is replaced by leucine, an amino acid with similar properties. This amino acid position is not well conserved in available vertebrate species. In addition, the in silico prediction for this alteration is inconclusive. Since supporting evidence is limited at this time, the clinical significance of this alteration remains unclear.

University of Washington Department of Laboratory Medicine, University of Washington
Classification: Likely benign for Hereditary cancer-predisposing syndrome. Last evaluated: 2023-03-23. Review status: criteria provided, single submitter. Criteria: Dines et al. (Genet Med. 2020). Collection method: curation. Allele origin: germline.
Comment: Missense variant in a coldspot region where missense variants are very unlikely to be pathogenic (PMID:31911673).

BRCA1 coldspot (exon 11 using historical exon numbering). Reclassification based on statistical prior probability

NM_007294.4(BRCA1):c.1709C>T (p.Pro570Leu)

Gene: BRCA1 (BRCA1 DNA repair associated; minus strand). Cytogenetic location: 17q21.31.
Variant type: single nucleotide variant.
Coding change: c.1709C>T on transcript NM_007294.4 (MANE Select); coding-DNA position 1709, C replaced by T.
Protein change: p.Pro570Leu; replaces proline 570 with leucine.
Molecular consequence: missense variant. On other transcripts: intron variant (137).
Genome position (GRCh38, 1-based): chr17:43,093,822, G>A on the plus strand (C>T on the coding strand, the complement: BRCA1 is on the minus strand). VCF-style: chr17-43093822-G-A. GRCh37 (hg19) VCF-style: chr17-41245839-G-A.
Other names: c.1496C>T, p.Pro499Leu (NM_001407571.1, NM_001407853.1, NM_001407894.1 and 9 more transcripts); c.1709C>T, p.Pro570Leu (NM_001407581.1, NM_001407582.1, NM_001407583.1 and 30 more transcripts); c.1706C>T, p.Pro569Leu (NM_001407587.1, NM_001407590.1, NM_001407591.1 and 22 more transcripts); c.1700C>T, p.Pro567Leu (NM_001407646.1, NM_001407647.1); c.1586C>T, p.Pro529Leu (NM_001407648.1, NM_001407664.1, NM_001407665.1 and 19 more transcripts); c.1583C>T, p.Pro528Leu (NM_001407649.1, NM_001407670.1, NM_001407671.1 and 11 more transcripts); c.1631C>T, p.Pro544Leu (NM_001407653.1, NM_001407654.1, NM_001407655.1 and 4 more transcripts); c.1628C>T, p.Pro543Leu (NM_001407659.1, NM_001407660.1, NM_001407661.1 and 1 more transcripts); and 40 more; short protein forms P523L, P570L, P459L, P481L, P482L, P503L, P528L, P274L.
Identifiers: ClinVar variation 1014997 (VCV001014997.21), dbSNP rs879254020, ClinGen allele CA10598607.